The following is an entry in ClinVar:

ClinVar aggregate classification (germline): Uncertain significance (1 of 4 stars; one submission).

Allele frequency attached by ClinVar (database versions not stated): gnomAD exomes 0.00001.

Submission:

Labcorp Genetics (formerly Invitae), Labcorp
Classification: Uncertain significance. Last evaluated: 2022-06-20. Review status: criteria provided, single submitter. Criteria: Invitae Variant Classification Sherloc (09022015). Collection method: clinical testing. Allele origin: germline.
Comment: In summary, the available evidence is currently insufficient to determine the role of this variant in disease. Therefore, it has been classified as a Variant of Uncertain Significance. Variants that disrupt the consensus splice site are a relatively common cause of aberrant splicing (PMID: 17576681, 9536098). Algorithms developed to predict the effect of sequence changes on RNA splicing suggest that this variant is not likely to affect RNA splicing. This variant has not been reported in the literature in individuals affected with COL2A1-related conditions. This variant is present in population databases (no rsID available, gnomAD 0.003%). This sequence change falls in intron 24 of the COL2A1 gene. It does not directly change the encoded amino acid sequence of the COL2A1 protein. It affects a nucleotide within the consensus splice site.

Literature cited by the submitters: PubMed 17576681; PubMed 9536098.

NM_001844.5(COL2A1):c.1581+3G>A

Gene: COL2A1 (collagen type II alpha 1 chain; minus strand). Cytogenetic location: 12q13.11.
Variant type: single nucleotide variant.
Coding change: c.1581+3G>A on transcript NM_001844.5 (MANE Select); 3 bases into the intron after coding-DNA position 1581, G replaced by A.
Molecular consequence: intron variant.
Genome position (GRCh38, 1-based): chr12:47,985,909, C>T on the plus strand (G>A on the coding strand, the complement: COL2A1 is on the minus strand). VCF-style: chr12-47985909-C-T. GRCh37 (hg19) VCF-style: chr12-48379692-C-T.
Other names: c.1374+3G>A (NM_033150.3).
Identifiers: ClinVar variation 1957690 (VCV001957690.5), dbSNP rs1453311670, ClinGen allele CA604852284.
Genomic context (GRCh38, chr12:47,985,909, plus strand): 5'-AGTGGGATACCATGTGACCTCAGCGATGCAGGGAGGGACCCCAGCCCCTCTTCTCCCACT[C>T]ACCTTGGGACCTGCCAGACCATCTTGACCTGGGAAACCGCGGTTGCCGGGAGCACCCTAA-3'